The following is an entry in ClinVar:

NM_001048174.2(MUTYH):c.344C>A (p.Ala115Asp)

Gene: MUTYH (mutY DNA glycosylase; minus strand). Cytogenetic location: 1p34.1.
Variant type: single nucleotide variant.
Coding change: c.344C>A on transcript NM_001048174.2 (MANE Select); coding-DNA position 344, C replaced by A.
Protein change: p.Ala115Asp; replaces alanine 115 with aspartic acid.
Molecular consequence: missense variant. On other transcripts: non-coding transcript variant (6), intron variant (3).
Genome position (GRCh38, 1-based): chr1:45,333,131, G>T on the plus strand (C>A on the coding strand, the complement: MUTYH is on the minus strand). VCF-style: chr1-45333131-G-T. GRCh37 (hg19) VCF-style: chr1-45798803-G-T.
Other names: c.344C>A, p.Ala115Asp (NM_001048171.2, NM_001048173.2, NM_001293195.2 and 6 more transcripts); c.347C>A, p.Ala116Asp (NM_001048172.2, NM_001407086.1, NM_001407071.1 and 2 more transcripts); c.428C>A, p.Ala143Asp (NM_001128425.2); c.389C>A, p.Ala130Asp (NM_001293190.2); c.377C>A, p.Ala126Asp (NM_001293191.2, NM_001407077.1); c.68C>A, p.Ala23Asp (NM_001293192.2, NM_001293196.2, NM_001407091.1); c.386C>A, p.Ala129Asp (NM_001407083.1, NM_001407085.1, NM_001407073.1); c.365C>A, p.Ala122Asp (NM_001407087.1); and 3 more; short protein forms A140D, A23D, A87D, A122D, A126D, A129D, A130D, A143D.
Identifiers: ClinVar variation 4113653 (VCV004113653.1).
Genomic context (GRCh38, chr1:45,333,131, plus strand): 5'-CCCTTCCCTTCCTCCCCTGGAGTCACCTGCATCCATCCGGTATAGTAGTTGATCACAGTG[G>T]CAACCTGGGTCTGCTGCAGCATGACCTCTGAGACCCACACTGGGGGAAAGGGGTTGGCAT-3'
Protein context (NP_001041639.1, residues 105-125): SEVMLQQTQV[Ala115Asp]TVINYYTGWM

ClinVar aggregate classification (germline): Uncertain significance (1 of 4 stars; one submission).

Conditions:
Hereditary cancer-predisposing syndrome. Also called: Hereditary neoplastic syndrome; Neoplastic Syndromes, Hereditary; Tumor predisposition; Hereditary Cancer Syndrome. Identifiers: Orphanet 140162, MedGen C0027672, MeSH D009386, MONDO:0015356.

Submission:

Ambry Genetics
Classification: Uncertain significance for Hereditary cancer-predisposing syndrome. Last evaluated: 2025-08-27. Review status: criteria provided, single submitter. Criteria: Ambry Variant Classification Scheme 2023. Collection method: clinical testing. Allele origin: germline.
Comment: The p.A143D variant (also known as c.428C>A), located in coding exon 5 of the MUTYH gene, results from a C to A substitution at nucleotide position 428. The alanine at codon 143 is replaced by aspartic acid, an amino acid with dissimilar properties. This amino acid position is conserved. In addition, the in silico prediction for this alteration is inconclusive. Based on the available evidence, the clinical significance of this variant remains unclear.